The following is an entry in ClinVar:

NM_002769.5(PRSS1):c.200+17C>T

Genes: PRSS1 (serine protease 1; plus strand), TRB (T cell receptor beta locus; plus strand). Cytogenetic location: 7q34.
Variant type: single nucleotide variant.
Coding change: c.200+17C>T on transcript NM_002769.5 (MANE Select); 17 bases into the intron after coding-DNA position 200, C replaced by T.
Molecular consequence: intron variant.
Genome position (GRCh38, 1-based): chr7:142,750,731, C>T. VCF-style: chr7-142750731-C-T. GRCh37 (hg19) VCF-style: chr7-142458582-C-T.
Identifiers: ClinVar variation 928498 (VCV000928498.11), dbSNP rs200688125, ClinGen allele CA4529718.

ClinVar aggregate classification (germline): Benign/Likely benign. Review status: criteria provided, multiple submitters, no conflicts (2 of 4 stars). 4 submissions from 4 submitters: Benign (2); Likely benign (2). Last evaluated 2026-01-15.

Conditions:
Hereditary pancreatitis (PCTT). Also called: Hereditary chronic pancreatitis; PRSS1-Related Hereditary Pancreatitis. Identifiers: Orphanet 676, MedGen C0238339, MONDO:0008185, OMIM 167800.

Allele frequency attached by ClinVar (database versions not stated): 1000 Genomes Project 0.00060; ExAC 0.02362.

Submissions (4):

Labcorp Genetics (formerly Invitae), Labcorp
Classification: Likely benign for Hereditary pancreatitis. Last evaluated: 2026-01-15. Review status: criteria provided, single submitter. Criteria: Invitae Variant Classification Sherloc (09022015). Collection method: clinical testing. Allele origin: germline.

Blueprint Genetics
Classification: Likely benign. Last evaluated: 2024-10-08. Review status: criteria provided, single submitter. Criteria: ACMG Guidelines, 2015. Collection method: clinical testing. Allele origin: germline.

Women's Health and Genetics/Laboratory Corporation of America, LabCorp
Classification: Benign. Last evaluated: 2019-10-01. Review status: criteria provided, single submitter. Criteria: LabCorp Variant Classification Summary - May 2015. Collection method: clinical testing. Allele origin: germline.
Comment: Variant summary: PRSS1 c.200+17C>T alters a non-conserved nucleotide located close to a canonical splice site and therefore could affect mRNA splicing, leading to a significantly altered protein sequence. 5/5 computational tools predict no significant impact on normal splicing. However, these predictions have yet to be confirmed by functional studies. The variant allele was found at a frequency of 0.0041 in 229856 control chromosomes (gnomAD). The observed variant frequency is approximately 820 fold of the estimated maximal expected allele frequency for a pathogenic variant in PRSS1 causing Chronic Pancreatitis Risk phenotype (5e-06), strongly suggesting that the variant is benign. To our knowledge, no occurrence of c.200+17C>T in individuals affected with Chronic Pancreatitis Risk and no experimental evidence demonstrating the variant's impact on protein function have been reported. No clinical diagnostic laboratories have submitted clinical-significance assessments for this variant to ClinVar after 2014. Based on the evidence outlined above, the variant was classified as benign.

Ambry Genetics
Classification: Benign for Hereditary pancreatitis. Last evaluated: 2016-01-11. Review status: criteria provided, single submitter. Criteria: Ambry Variant Classification Scheme 2023. Collection method: clinical testing. Allele origin: germline.